The following is an entry in ClinVar:

ClinVar aggregate classification (germline): Uncertain significance. Review status: criteria provided, multiple submitters, no conflicts (2 of 4 stars). 4 submissions from 4 submitters: Uncertain significance (4). Last evaluated 2025-11-14.

Conditions:
MYPN-related myopathy (CMYO24). Also called: Nemaline myopathy 11, autosomal recessive. Identifiers: MedGen C4479186, MONDO:0015023, OMIM 617336.
Dilated cardiomyopathy 1KK (CMD1KK). Identifiers: Orphanet 154, Orphanet 75249, MedGen C3714995, MONDO:0014100, OMIM 615248.

gnomAD v4.1: 3 of 1,614,130 alleles (0.00019%); highest among the groups gnomAD compares: Non-Finnish European, 0.000085%; no homozygotes.

Submissions (4):

Women's Health and Genetics/Laboratory Corporation of America, LabCorp
Classification: Uncertain significance. Last evaluated: 2025-11-14. Review status: criteria provided, single submitter. Criteria: LabCorp Variant Classification Summary - May 2015. Collection method: clinical testing. Allele origin: germline.

Fulgent Genetics
Classification: Uncertain significance for Dilated cardiomyopathy 1KK; MYPN-related myopathy. Last evaluated: 2021-11-22. Review status: criteria provided, single submitter. Criteria: ACMG Guidelines, 2015. Collection method: clinical testing. Allele origin: unknown.

Labcorp Genetics (formerly Invitae), Labcorp
Classification: Uncertain significance for Dilated cardiomyopathy 1KK. Last evaluated: 2019-09-24. Review status: criteria provided, single submitter. Criteria: Invitae Variant Classification Sherloc (09022015). Collection method: clinical testing. Allele origin: germline.
Comment: In summary, the available evidence is currently insufficient to determine the role of this variant in disease. Therefore, it has been classified as a Variant of Uncertain Significance. Algorithms developed to predict the effect of missense changes on protein structure and function are either unavailable or do not agree on the potential impact of this missense change (SIFT: "Tolerated"; PolyPhen-2: "Probably Damaging"; Align-GVGD: "Class C0"). This variant has not been reported in the literature in individuals with MYPN-related conditions. ClinVar contains an entry for this variant (Variation ID: 229028). This variant is not present in population databases (ExAC no frequency). This sequence change replaces glutamic acid with aspartic acid at codon 18 of the MYPN protein (p.Glu18Asp). The glutamic acid residue is highly conserved and there is a small physicochemical difference between glutamic acid and aspartic acid.

Laboratory for Molecular Medicine, Mass General Brigham Personalized Medicine
Classification: Uncertain significance. Last evaluated: 2015-12-10. Review status: criteria provided, single submitter. Criteria: LMM Criteria. Collection method: clinical testing. Allele origin: germline. Observed: 1 variant allele.
Comment: The p.Glu18Asp variant in MYPN has not been previously reported in individuals w ith cardiomyopathy or in large population studies. Computational prediction tool s and conservation analysis suggest that the p.Glu18Asp variant may impact the p rotein, though this information is not predictive enough to determine pathogenic ity. In summary, the clinical significance of the p.Glu18Asp variant is uncertai n.

NM_032578.4(MYPN):c.54G>C (p.Glu18Asp)

Gene: MYPN (myopalladin; plus strand). Cytogenetic location: 10q21.3.
Variant type: single nucleotide variant.
Coding change: c.54G>C on transcript NM_032578.4 (MANE Select); coding-DNA position 54, G replaced by C.
Protein change: p.Glu18Asp; replaces glutamic acid 18 with aspartic acid.
Molecular consequence: missense variant. On other transcripts: 5 prime UTR variant (1), non-coding transcript variant (1).
Genome position (GRCh38, 1-based): chr10:68,121,492, G>C. VCF-style: chr10-68121492-G-C. GRCh37 (hg19) VCF-style: chr10-69881249-G-C.
Other names: c.54G>C, p.Glu18Asp (NM_001256267.2); c.-1069G>C (NM_001256268.2); short protein forms E18D.
Identifiers: ClinVar variation 229028 (VCV000229028.15), dbSNP rs876657919, ClinGen allele CA10576796.
Genomic context (GRCh38, chr10:68,121,492, plus strand): 5'-TGACAGCATGCAAGACGACAGCATAGAAGCTTCTACTTCCATATCTCAGCTTCTAAGAGA[G>C]AGCTATTTAGCTGAAACCAGACATCGGGGAAACAATGAGAGGAGTCGAGCGGAGCCCTCC-3'
Protein context (NP_115967.2, residues 8-28): ASTSISQLLR[Glu18Asp]SYLAETRHRG